The following is an entry in ClinVar:

NM_006904.7(PRKDC):c.812G>T (p.Gly271Val)

Gene: PRKDC (protein kinase, DNA-activated, catalytic subunit; minus strand). Cytogenetic location: 8q11.21.
Variant type: single nucleotide variant.
Coding change: c.812G>T on transcript NM_006904.7 (MANE Select); coding-DNA position 812, G replaced by T.
Protein change: p.Gly271Val; replaces glycine 271 with valine.
Molecular consequence: missense variant.
Genome position (GRCh38, 1-based): chr8:47,943,363, C>A on the plus strand (G>T on the coding strand, the complement: PRKDC is on the minus strand). VCF-style: chr8-47943363-C-A. GRCh37 (hg19) VCF-style: chr8-48855923-C-A.
Other names: c.812G>T, p.Gly271Val (NM_001081640.2); short protein forms G271V.
Identifiers: ClinVar variation 3225920 (VCV003225920.1), dbSNP rs1255139460, ClinGen allele CA371136315.

ClinVar aggregate classification (germline): Uncertain significance (1 of 4 stars; one submission).

Submission:

Ambry Genetics
Classification: Uncertain significance. Last evaluated: 2023-12-21. Review status: criteria provided, single submitter. Criteria: Ambry Variant Classification Scheme 2023. Collection method: clinical testing. Allele origin: germline.
Comment: The p.G271V variant (also known as c.812G>T), located in coding exon 10 of the PRKDC gene, results from a G to T substitution at nucleotide position 812. The glycine at codon 271 is replaced by valine, an amino acid with dissimilar properties. This amino acid position is conserved. In addition, this alteration is predicted to be deleterious by in silico analysis. Since supporting evidence is limited at this time, the clinical significance of this alteration remains unclear.